The following is an entry in ClinVar:

NM_001365999.1(SZT2):c.1790A>G (p.His597Arg)

Gene: SZT2 (SZT2 subunit of KICSTOR complex; plus strand). Cytogenetic location: 1p34.2.
Variant type: single nucleotide variant.
Coding change: c.1790A>G on transcript NM_001365999.1 (MANE Select); coding-DNA position 1790, A replaced by G.
Protein change: p.His597Arg; replaces histidine 597 with arginine.
Molecular consequence: missense variant.
Genome position (GRCh38, 1-based): chr1:43,422,500, A>G. VCF-style: chr1-43422500-A-G. GRCh37 (hg19) VCF-style: chr1-43888171-A-G.
Other names: c.1790A>G, p.His597Arg (NM_015284.4); short protein forms H597R.
Identifiers: ClinVar variation 1003722 (VCV001003722.8), dbSNP rs1652489772, ClinGen allele CA340009994.
Genomic context (GRCh38, chr1:43,422,500, plus strand): 5'-GGCCTGGAGGTCTAACCTCAGTCCACACCCCTCTTCCTAGACCAATCCCCAAGCACTTGC[A>G]CACCCCGGGCAGCAATGGGCGCTACAGCACTATCCAGTGCAGGATCTCCCACTCCTCCCT-3'
Protein context (NP_001352928.1, residues 587-607): EHDTPIPKHL[His597Arg]TPGSNGRYST

ClinVar aggregate classification (germline): Uncertain significance (1 of 4 stars; one submission).

Submission:

Labcorp Genetics (formerly Invitae), Labcorp
Classification: Uncertain significance. Last evaluated: 2020-08-07. Review status: criteria provided, single submitter. Criteria: Invitae Variant Classification Sherloc (09022015). Collection method: clinical testing. Allele origin: germline.
Comment: In summary, the available evidence is currently insufficient to determine the role of this variant in disease. Therefore, it has been classified as a Variant of Uncertain Significance. Algorithms developed to predict the effect of missense changes on protein structure and function (SIFT, PolyPhen-2, Align-GVGD) all suggest that this variant is likely to be tolerated, but these predictions have not been confirmed by published functional studies and their clinical significance is uncertain. This variant has not been reported in the literature in individuals with SZT2-related conditions. This variant is not present in population databases (ExAC no frequency). This sequence change replaces histidine with arginine at codon 597 of the SZT2 protein (p.His597Arg). The histidine residue is weakly conserved and there is a small physicochemical difference between histidine and arginine.